The following is an entry in ClinVar:

NM_001458.5(FLNC):c.5620del (p.Val1874fs)

Genes: FLNC-AS1 (FLNC antisense RNA 1; minus strand), FLNC (filamin C; plus strand). Cytogenetic location: 7q32.1.
Variant type: Deletion.
Coding change: c.5620del on transcript NM_001458.5 (MANE Select); coding-DNA position 5620, one base deleted (G; older notation c.5620delG).
Protein change: p.Val1874fs; shifts the reading frame from valine 1874.
Molecular consequence: frameshift variant.
Genome position (GRCh38, 1-based): chr7:128,851,312, G deleted; the last of 2 consecutive G bases (chr7:128,851,311-128,851,312); deleting either gives the same sequence. VCF-style (leftmost placement, unchanged base first): chr7-128851310-TG-T. GRCh37 (hg19) VCF-style: chr7-128491364-TG-T.
Other names: c.5521del, p.Val1841fs (NM_001127487.2); short protein forms V1841fs, V1874fs.
Identifiers: ClinVar variation 3753518 (VCV003753518.2).
Genomic context (GRCh38, chr7:128,851,310, plus strand): 5'-ATGTGGATGCCATCAACAGCCGCCATGTCAGTGCCTATGGGCCAGGCCTGAGCCATGGCA[TG>T]GTCAACAAGCCAGCCACCTTCACTATTGTCACCAAAGATGCTGGAGAAGGTGAGGGAGCT-3'

ClinVar aggregate classification (germline): Pathogenic (1 of 4 stars; one submission).

Conditions:
Myofibrillar myopathy 5. Also called: Filaminopathy (type); FILAMINOPATHY, AUTOSOMAL DOMINANT. Identifiers: Orphanet 171445, MedGen C1836050, MONDO:0012289, OMIM 609524.
Distal myopathy with posterior leg and anterior hand involvement. Also called: WILLIAMS DISTAL MYOPATHY. Identifiers: Orphanet 63273, MedGen C3279722, MONDO:0013550, OMIM 614065.
Hypertrophic cardiomyopathy 26. Also called: Cardiomyopathy, familial hypertrophic, 26. Identifiers: Orphanet 75249, MedGen C4310749, MONDO:0014883, OMIM 617047.

Submission:

Labcorp Genetics (formerly Invitae), Labcorp
Classification: Pathogenic for Distal myopathy with posterior leg and anterior hand involvement; Myofibrillar myopathy 5; Hypertrophic cardiomyopathy 26. Last evaluated: 2024-06-19. Review status: criteria provided, single submitter. Criteria: Invitae Variant Classification Sherloc (09022015). Collection method: clinical testing. Allele origin: germline.
Comment: This sequence change creates a premature translational stop signal (p.Val1874Serfs*79) in the FLNC gene. It is expected to result in an absent or disrupted protein product. Loss-of-function variants in FLNC are known to be pathogenic (PMID: 27908349). This variant is not present in population databases (gnomAD no frequency). This variant has not been reported in the literature in individuals affected with FLNC-related conditions. For these reasons, this variant has been classified as Pathogenic.

Literature cited by the submitters: PubMed 27908349.